The following is an entry in ClinVar:

NM_022916.6(VPS33A):c.658A>G (p.Ile220Val)

Gene: VPS33A (VPS33A core subunit of CORVET and HOPS complexes; minus strand). Cytogenetic location: 12q24.31.
Variant type: single nucleotide variant.
Coding change: c.658A>G on transcript NM_022916.6 (MANE Select); coding-DNA position 658, A replaced by G.
Protein change: p.Ile220Val; replaces isoleucine 220 with valine.
Molecular consequence: missense variant.
Genome position (GRCh38, 1-based): chr12:122,249,988, T>C on the plus strand (A>G on the coding strand, the complement: VPS33A is on the minus strand). VCF-style: chr12-122249988-T-C. GRCh37 (hg19) VCF-style: chr12-122734535-T-C.
Other names: c.658A>G (NM_022916.4); c.625A>G, p.Ile209Val (NM_001351018.2); c.610A>G, p.Ile204Val (NM_001351019.2); c.658A>G, p.Ile220Val (NM_001351020.2); short protein forms I204V, I209V, I220V.
Identifiers: ClinVar variation 1415247 (VCV001415247.7), dbSNP rs568695865, ClinGen allele CA6844529.

ClinVar aggregate classification (germline): Conflicting classifications of pathogenicity. Review status: criteria provided, conflicting classifications (1 of 4 stars). 3 submissions from 3 submitters: Uncertain significance (2); Likely benign (1). Last evaluated 2025-03-13.

Conditions:
VPS33A-related disorder. Also called: VPS33A-related condition.

Allele frequency attached by ClinVar (database versions not stated): gnomAD 0.00006 and 0.00007; TOPMed 0.00006; gnomAD exomes 0.00007 and 0.00008; ExAC 0.00009; 1000 Genomes Project 30x 0.00016; 1000 Genomes Project 0.00020.
gnomAD v4.1: 123 of 1,614,082 alleles (0.0076%); highest among the groups gnomAD compares: East Asian, 0.018%; no homozygotes.

Submissions (3):

PreventionGenetics, part of Exact Sciences
Classification: Uncertain significance for VPS33A-related condition. Last evaluated: 2025-03-13. Review status: criteria provided, single submitter. Criteria: ACMG Guidelines, 2015. Collection method: clinical testing. Allele origin: germline.
Comment: The VPS33A c.658A>G variant is predicted to result in the amino acid substitution p.Ile220Val. To our knowledge, this variant has not been reported in the literature. This variant is reported in 0.035% of alleles in individuals of East Asian descent in gnomAD. At this time, the clinical significance of this variant is uncertain due to the absence of conclusive functional and genetic evidence.

Ambry Genetics
Classification: Likely benign. Last evaluated: 2023-12-09. Review status: criteria provided, single submitter. Criteria: Ambry Variant Classification Scheme 2023. Collection method: clinical testing. Allele origin: germline.

Labcorp Genetics (formerly Invitae), Labcorp
Classification: Uncertain significance. Last evaluated: 2023-08-17. Review status: criteria provided, single submitter. Criteria: Invitae Variant Classification Sherloc (09022015). Collection method: clinical testing. Allele origin: germline.
Comment: In summary, the available evidence is currently insufficient to determine the role of this variant in disease. Therefore, it has been classified as a Variant of Uncertain Significance. Advanced modeling of protein sequence and biophysical properties (such as structural, functional, and spatial information, amino acid conservation, physicochemical variation, residue mobility, and thermodynamic stability) performed at Invitae indicates that this missense variant is not expected to disrupt VPS33A protein function. ClinVar contains an entry for this variant (Variation ID: 1415247). This variant has not been reported in the literature in individuals affected with VPS33A-related conditions. This variant is present in population databases (rs568695865, gnomAD 0.04%). This sequence change replaces isoleucine, which is neutral and non-polar, with valine, which is neutral and non-polar, at codon 220 of the VPS33A protein (p.Ile220Val).